The following is an entry in ClinVar:

NM_015697.9(COQ2):c.30G>A (p.Arg10=)

Genes: COQ2 (coenzyme Q2, polyprenyltransferase; minus strand), LOC112997540 (Sharpr-MPRA regulatory region 13773; plus strand). Cytogenetic location: 4q21.23.
Variant type: single nucleotide variant.
Coding change: c.30G>A on transcript NM_015697.9; coding-DNA position 30, G replaced by A.
Protein change: p.Arg10=; no amino-acid change (arginine 10 retained).
Molecular consequence: synonymous variant.
Genome position (GRCh38, 1-based): chr4:83,284,885, C>T on the plus strand (G>A on the coding strand, the complement: COQ2 is on the minus strand). VCF-style: chr4-83284885-C-T. GRCh37 (hg19) VCF-style: chr4-84206038-C-T.
Identifiers: ClinVar variation 260677 (VCV000260677.54), dbSNP rs183012002, ClinGen allele CA2988724.
Genomic context (GRCh38, chr4:83,284,885, plus strand): 5'-GGCACCCGCAGGATGCAATCCTAGTCTGCCAGGCTGGGCGGCGGTGTGGGCAGAACCTTT[C>T]CTCATCCTTACTTGTGAAATTGGGGTCATCGTGGTCGCTTACTCTAGGGAGGAATACTTA-3'

ClinVar aggregate classification (germline): Benign/Likely benign. Review status: criteria provided, multiple submitters, no conflicts (2 of 4 stars). 7 submissions from 7 submitters: Benign (3); Likely benign (3). 1 of the submissions does not count toward it. Last evaluated 2026-06-01.

Conditions:
Coenzyme Q10 deficiency, primary, 1. Also called: UBIQUINONE DEFICIENCY 1; COENZYME Q DEFICIENCY 1; CoQ DEFICIENCY 1. Identifiers: Orphanet 255249, MedGen C3551954, MONDO:0011829, OMIM 607426.
Multiple system atrophy 1, susceptibility to. Also called: MSA1, SUSCEPTIBILITY TO. Identifiers: MedGen C3714927, MONDO:0020715, OMIM 146500.

Allele frequency attached by ClinVar (database versions not stated): 1000 Genomes Project 30x 0.00125; gnomAD exomes 0.00375; TOPMed 0.00401; 1000 Genomes Project 0.00080; ExAC 0.00266.
gnomAD v4.1: 9,501 of 1,523,936 alleles (0.62%); highest among the groups gnomAD compares: Non-Finnish European, 0.79%; 46 homozygotes.

Submissions (7):

CeGaT Center for Human Genetics Tuebingen
Classification: Likely benign. Last evaluated: 2026-06-01. Review status: criteria provided, single submitter. Criteria: CeGaT Center For Human Genetics Tuebingen Variant Classification Criteria Version 2. Collection method: clinical testing. Allele origin: germline. Affected: yes. Observed: 18 variant alleles.
Comment: COQ2: BP4, BP7, BS2

Labcorp Genetics (formerly Invitae), Labcorp
Classification: Benign. Last evaluated: 2026-02-04. Review status: criteria provided, single submitter. Criteria: Invitae Variant Classification Sherloc (09022015). Collection method: clinical testing. Allele origin: germline.

Fulgent Genetics
Classification: Benign for Multiple system atrophy 1, susceptibility to; Coenzyme Q10 deficiency, primary, 1. Last evaluated: 2021-08-25. Review status: criteria provided, single submitter. Criteria: ACMG Guidelines, 2015. Collection method: clinical testing. Allele origin: unknown.

GeneDx
Classification: Benign. Last evaluated: 2015-03-03. Review status: criteria provided, single submitter. Criteria: GeneDx Variant Classification Process June 2021. Collection method: clinical testing. Allele origin: germline. Affected: yes.

Breakthrough Genomics
Classification: Likely benign. Review status: criteria provided, single submitter. Criteria: ACMG Guidelines, 2015. Collection method: not provided. Allele origin: germline. Inheritance: Autosomal recessive inheritance. Affected: yes.

PreventionGenetics, part of Exact Sciences
Classification: Likely benign. Review status: criteria provided, single submitter. Criteria: ACMG Guidelines, 2015. Collection method: clinical testing. Allele origin: germline.

Mayo Clinic Laboratories, Mayo Clinic
Classification: Likely benign. Last evaluated: 2016-02-22. Review status: no assertion criteria provided. Collection method: clinical testing. Allele origin: unknown. Not counted in ClinVar's aggregate classification.